The following is an entry in ClinVar:

ClinVar aggregate classification (germline): Uncertain significance. Review status: criteria provided, multiple submitters, no conflicts (2 of 4 stars). 2 submissions from 2 submitters: Uncertain significance (2). Last evaluated 2025-03-29.

Conditions:
Melanoma, cutaneous malignant, susceptibility to, 5. Also called: Cutaneous malignant melanoma 5. Identifiers: Orphanet 618, MedGen C2751295, MONDO:0013133, OMIM 613099.

Submissions (2):

Ambry Genetics
Classification: Uncertain significance. Last evaluated: 2025-03-29. Review status: criteria provided, single submitter. Criteria: Ambry Variant Classification Scheme 2023. Collection method: clinical testing. Allele origin: germline.
Comment: The p.P271A variant (also known as c.811C>G), located in coding exon 1 of the MC1R gene, results from a C to G substitution at nucleotide position 811. The proline at codon 271 is replaced by alanine, an amino acid with highly similar properties. This amino acid position is conserved. In addition, the in silico prediction for this alteration is inconclusive. Based on the available evidence, the clinical significance of this variant remains unclear.

Labcorp Genetics (formerly Invitae), Labcorp
Classification: Uncertain significance for Melanoma, cutaneous malignant, susceptibility to, 5. Last evaluated: 2023-03-08. Review status: criteria provided, single submitter. Criteria: Invitae Variant Classification Sherloc (09022015). Collection method: clinical testing. Allele origin: germline.
Comment: This sequence change replaces proline, which is neutral and non-polar, with alanine, which is neutral and non-polar, at codon 271 of the MC1R protein (p.Pro271Ala). This variant is not present in population databases (gnomAD no frequency). This variant has not been reported in the literature in individuals affected with MC1R-related conditions. Advanced modeling of protein sequence and biophysical properties (such as structural, functional, and spatial information, amino acid conservation, physicochemical variation, residue mobility, and thermodynamic stability) performed at Invitae indicates that this missense variant is not expected to disrupt MC1R protein function. In summary, the available evidence is currently insufficient to determine the role of this variant in disease. Therefore, it has been classified as a Variant of Uncertain Significance.

NM_002386.4(MC1R):c.811C>G (p.Pro271Ala)

Gene: MC1R (melanocortin 1 receptor; plus strand). Cytogenetic location: 16q24.3.
Variant type: single nucleotide variant.
Coding change: c.811C>G on transcript NM_002386.4 (MANE Select); coding-DNA position 811, C replaced by G.
Protein change: p.Pro271Ala; replaces proline 271 with alanine.
Molecular consequence: missense variant.
Genome position (GRCh38, 1-based): chr16:89,920,069, C>G. VCF-style: chr16-89920069-C-G. GRCh37 (hg19) VCF-style: chr16-89986477-C-G.
Other names: short protein forms P271A.
Identifiers: ClinVar variation 2490246 (VCV002490246.6), dbSNP rs1376584583, ClinGen allele CA397463354.